The following is an entry in ClinVar:

NM_000492.4(CFTR):c.579+1G>A

Gene: CFTR (CF transmembrane conductance regulator; plus strand). Cytogenetic location: 7q31.2.
Variant type: single nucleotide variant.
Coding change: c.579+1G>A on transcript NM_000492.4 (MANE Select); the canonical splice donor site of the intron after coding-DNA position 579, G replaced by A.
Molecular consequence: splice donor variant.
Genome position (GRCh38, 1-based): chr7:117,534,366, G>A. VCF-style: chr7-117534366-G-A. GRCh37 (hg19) VCF-style: chr7-117174420-G-A.
Identifiers: ClinVar variation 801157 (VCV000801157.9), dbSNP rs77188391, ClinGen allele CA368976627.

ClinVar aggregate classification (germline): Pathogenic. Review status: criteria provided, multiple submitters, no conflicts (2 of 4 stars). 4 submissions from 4 submitters: Pathogenic (4). Last evaluated 2024-12-09.

Conditions:
CFTR-related disorder (CFTR-RD). Also called: CFTR-related condition; CFTR-related disorders. Identifiers: MedGen C5924204, MONDO:7770004.
Cystic fibrosis (CF). Also called: MUCOVISCIDOSIS. Identifiers: Orphanet 586, MedGen C0010674, MONDO:0009061, OMIM 219700. Disease mechanism: loss of function.

Submissions (4):

Natera, Inc.
Classification: Pathogenic for CFTR-related disorders. Last evaluated: 2024-12-09. Review status: criteria provided, single submitter. Criteria: Natera Variant Classification Schema (03/2026). Collection method: clinical testing. Allele origin: germline.
Comment: The c.579+1G>A variant in CFTR is a canonical splice donor site variant predicted to affect pre-mRNA splicing, which may result in an abnormal transcript and altered protein product. This variant is expected to result in nonsense mediated decay, truncation, or a dysfunctional protein product. This variant is rare in the general population with a frequency below the threshold expected for the associated phenotype(s). Another variant at this same site results in an alteration predicted to cause a similar molecular effect has been observed in individual(s) with the associated phenotype. Given the available evidence, this variant is classified as Pathogenic.

Genomic Medicine Center of Excellence, King Faisal Specialist Hospital and Research Centre
Classification: Pathogenic for Cystic fibrosis. Last evaluated: 2024-03-26. Review status: criteria provided, single submitter. Criteria: ACMG Guidelines, 2015. Collection method: clinical testing. Allele origin: germline.

Quest Diagnostics Nichols Institute San Juan Capistrano
Classification: Pathogenic. Last evaluated: 2023-05-05. Review status: criteria provided, single submitter. Criteria: Quest Diagnostics criteria. Collection method: clinical testing. Allele origin: unknown.
Comment: The c.579+1G>A variant is located in a canonical splice-donor site and is predicted to interfere with CFTR mRNA splicing. The variant also has been reported in large, multi-ethnic general populations. In the published literature, this variant has been identified as homozygous and compound heterozygous in individuals with cystic fibrosis (CF) or CF-related conditions (PMIDs: 10605524 (1999), 11924117 (1999), 10834512 (2000), 15463866 (2003), 26437683 (2015), 30805437 (2015), and 31130284 (2019)).

Revvity Omics, Revvity
Classification: Pathogenic. Last evaluated: 2022-09-06. Review status: criteria provided, single submitter. Criteria: ACMG Guidelines, 2015. Collection method: clinical testing. Allele origin: germline.

Literature cited by the submitters: PubMed 21429822 (cited by Quest Diagnostics Nichols Institute San Juan Capistrano); PubMed 19883345 (cited by Quest Diagnostics Nichols Institute San Juan Capistrano); PubMed 26437683 (cited by Quest Diagnostics Nichols Institute San Juan Capistrano); PubMed 21068670 (cited by Quest Diagnostics Nichols Institute San Juan Capistrano); PubMed 10605524 (cited by Quest Diagnostics Nichols Institute San Juan Capistrano); PubMed 11924117 (cited by Quest Diagnostics Nichols Institute San Juan Capistrano); PubMed 16049310 (cited by Quest Diagnostics Nichols Institute San Juan Capistrano); PubMed 10834512 (cited by Quest Diagnostics Nichols Institute San Juan Capistrano); PubMed 16436643 (cited by Quest Diagnostics Nichols Institute San Juan Capistrano); PubMed 18455968 (cited by Quest Diagnostics Nichols Institute San Juan Capistrano); PubMed 15463866 (cited by Quest Diagnostics Nichols Institute San Juan Capistrano); PubMed 30805437 (cited by Quest Diagnostics Nichols Institute San Juan Capistrano); PubMed 25525159 (cited by Quest Diagnostics Nichols Institute San Juan Capistrano); PubMed 31130284 (cited by Quest Diagnostics Nichols Institute San Juan Capistrano).